The following is an entry in ClinVar:

NM_001129.5(AEBP1):c.3310A>G (p.Lys1104Glu)

Gene: AEBP1 (AE binding protein 1; plus strand). Cytogenetic location: 7p13.
Variant type: single nucleotide variant.
Coding change: c.3310A>G on transcript NM_001129.5 (MANE Select); coding-DNA position 3310, A replaced by G.
Protein change: p.Lys1104Glu; replaces lysine 1104 with glutamic acid.
Molecular consequence: missense variant.
Genome position (GRCh38, 1-based): chr7:44,114,094, A>G. VCF-style: chr7-44114094-A-G. GRCh37 (hg19) VCF-style: chr7-44153693-A-G.
Other names: short protein forms K1104E.
Identifiers: ClinVar variation 3384407 (VCV003384407.1).

ClinVar aggregate classification (germline): Uncertain significance (1 of 4 stars; one submission).

Submission:

GeneDx
Classification: Uncertain significance. Last evaluated: 2024-06-06. Review status: criteria provided, single submitter. Criteria: GeneDx Variant Classification Process June 2021. Collection method: clinical testing. Allele origin: germline. Affected: yes.
Comment: Not observed at significant frequency in large population cohorts (gnomAD); In silico analysis indicates that this missense variant does not alter protein structure/function; Has not been previously published as pathogenic or benign to our knowledge